The following is an entry in ClinVar:

NM_016222.4(DDX41):c.551A>C (p.Lys184Thr)

Gene: DDX41 (DEAD-box helicase 41; minus strand). Cytogenetic location: 5q35.3.
Variant type: single nucleotide variant.
Coding change: c.551A>C on transcript NM_016222.4 (MANE Select); coding-DNA position 551, A replaced by C.
Protein change: p.Lys184Thr; replaces lysine 184 with threonine.
Molecular consequence: missense variant.
Genome position (GRCh38, 1-based): chr5:177,515,705, T>G on the plus strand (A>C on the coding strand, the complement: DDX41 is on the minus strand). VCF-style: chr5-177515705-T-G. GRCh37 (hg19) VCF-style: chr5-176942706-T-G.
Other names: c.551A>C (NM_016222.2); c.173A>C, p.Lys58Thr (NM_001321732.2, NM_001321830.2); short protein forms K58T, K184T.
Identifiers: ClinVar variation 3695024 (VCV003695024.3).
Genomic context (GRCh38, chr5:177,515,705, plus strand): 5'-GATTATAAAAGTGTGGTATCTCTCTCCAGCCCCTGACTACCTGCAGGAAACTTCATTTCC[T>G]TGAAGCTCTTGATGGGTGGTGGGATACCGTCTCCCTCCACCAGGATGTGGTATTTCTTCC-3'
Protein context (NP_057306.2, residues 174-194): DGIPPPIKSF[Lys184Thr]EMKFPAAILR

ClinVar aggregate classification (germline): Conflicting classifications of pathogenicity. Review status: criteria provided, conflicting classifications (1 of 4 stars). 2 submissions from 2 submitters: Uncertain significance (1); Likely benign (1). Last evaluated 2024-12-31.

Conditions:
Inborn genetic diseases. Identifiers: MedGen C0950123, MeSH D030342.

gnomAD v4.1: 3 of 1,614,124 alleles (0.00019%); highest among the groups gnomAD compares: South Asian, 0.0033%; no homozygotes.

Submissions (2):

Ambry Genetics
Classification: Likely benign for Inborn genetic diseases. Last evaluated: 2024-12-31. Review status: criteria provided, single submitter. Criteria: Ambry Variant Classification Scheme 2023. Collection method: clinical testing. Allele origin: germline.

Labcorp Genetics (formerly Invitae), Labcorp
Classification: Uncertain significance. Last evaluated: 2024-07-31. Review status: criteria provided, single submitter. Criteria: Invitae Variant Classification Sherloc (09022015). Collection method: clinical testing. Allele origin: germline.
Comment: This sequence change replaces lysine, which is basic and polar, with threonine, which is neutral and polar, at codon 184 of the DDX41 protein (p.Lys184Thr). This variant is present in population databases (rs765561953, gnomAD 0.006%). This variant has not been reported in the literature in individuals affected with DDX41-related conditions. An algorithm developed to predict the effect of missense changes on protein structure and function (PolyPhen-2) suggests that this variant is likely to be tolerated. In summary, the available evidence is currently insufficient to determine the role of this variant in disease. Therefore, it has been classified as a Variant of Uncertain Significance.